The following is an entry in ClinVar:

ClinVar aggregate classification (germline): Likely pathogenic. Review status: criteria provided, multiple submitters, no conflicts (2 of 4 stars). 4 submissions from 4 submitters: Likely pathogenic (4). Last evaluated 2026-05-29.

Conditions:
Hereditary cancer-predisposing syndrome. Also called: Neoplastic Syndromes, Hereditary; Tumor predisposition; Hereditary Cancer Syndrome; Hereditary neoplastic syndrome. Identifiers: Orphanet 140162, MedGen C0027672, MeSH D009386, MONDO:0015356.
Retinoblastoma (RB1). Also called: RETINOBLASTOMA, SOMATIC. Identifiers: Orphanet 790, MedGen C0035335, MeSH D012175, MONDO:0008380, OMIM 180200, HP:0009919. Disease mechanism: loss of function. Inheritance: Both sporadic and heritable forms are tested..

Allele frequency attached by ClinVar (database versions not stated): gnomAD exomes below 0.00001.
gnomAD v4.1: 1 of 1,520,310 alleles (0.000066%); highest among the groups gnomAD compares: Non-Finnish European, 0.000091%; no homozygotes.

Submissions (4):

Diller/Parad Lab, Dana-Farber/Harvard Cancer Center
Classification: Likely pathogenic for Retinoblastoma. Last evaluated: 2026-05-29. Review status: criteria provided, single submitter. Criteria: ACMG Guidelines, 2015. Collection method: research. Allele origin: germline. Affected: yes.
Comment: It has been classified as Likely Pathogenic using Richards et al (PMID:25741868) based on the following evidence codes: PM2.

Ambry Genetics
Classification: Likely pathogenic for Hereditary cancer-predisposing syndrome. Last evaluated: 2025-08-18. Review status: criteria provided, single submitter. Criteria: Ambry Variant Classification Scheme 2023. Collection method: clinical testing. Allele origin: germline.
Comment: The c.1215+5G>A intronic variant results from a G to A substitution 5 nucleotides after coding exon 12 in the RB1 gene. This variant was reported in individuals with features consistent with RB1-related hereditary retinoblastoma (external communication). This nucleotide position is highly conserved in available vertebrate species. In silico splice site analysis predicts that this alteration will weaken the native splice donor site; however, direct evidence is insufficient at this time (Ambry internal data). This variant is considered to be rare based on population cohorts in the Genome Aggregation Database (gnomAD). Based on the majority of available evidence to date, this variant is likely to be pathogenic.

Genetic Diagnostic Laboratory, University of Pennsylvania School of Medicine
Classification: Likely pathogenic for Retinoblastoma. Last evaluated: 2024-05-20. Review status: criteria provided, single submitter. Criteria: ACMG Guidelines, 2015. Collection method: clinical testing. Allele origin: germline. Affected: yes. Observed: 2 variant alleles.
Comment: Case and Pedigree Information: BILATERAL CASES:1, UNILATERAL CASES:1, TOTAL CASES:2, PEDIGREES:2. ACMG Codes Applied:PM2

Labcorp Genetics (formerly Invitae), Labcorp
Classification: Likely pathogenic for Retinoblastoma. Last evaluated: 2023-11-02. Review status: criteria provided, single submitter. Criteria: Invitae Variant Classification Sherloc (09022015). Collection method: clinical testing. Allele origin: germline.
Comment: This sequence change falls in intron 12 of the RB1 gene. It does not directly change the encoded amino acid sequence of the RB1 protein. It affects a nucleotide within the consensus splice site. This variant is not present in population databases (gnomAD no frequency). This variant has been observed in individual(s) with retinoblastoma (PMID: 28193182). In at least one individual the variant was observed to be de novo. This variant is also known as g.70334G>A. Variants that disrupt the consensus splice site are a relatively common cause of aberrant splicing (PMID: 17576681, 9536098). Algorithms developed to predict the effect of sequence changes on RNA splicing suggest that this variant may disrupt the consensus splice site. In summary, the currently available evidence indicates that the variant is pathogenic, but additional data are needed to prove that conclusively. Therefore, this variant has been classified as Likely Pathogenic.

Literature cited by the submitters: PubMed 28193182 (cited by Labcorp Genetics (formerly Invitae), Labcorp); PubMed 17576681 (cited by Labcorp Genetics (formerly Invitae), Labcorp); PubMed 9536098 (cited by Labcorp Genetics (formerly Invitae), Labcorp).

NM_000321.3(RB1):c.1215+5G>A

Gene: RB1 (RB transcriptional corepressor 1; plus strand). Cytogenetic location: 13q14.2.
Variant type: single nucleotide variant.
Coding change: c.1215+5G>A on transcript NM_000321.3 (MANE Select); 5 bases into the intron after coding-DNA position 1215, G replaced by A.
Molecular consequence: intron variant.
Genome position (GRCh38, 1-based): chr13:48,373,497, G>A. VCF-style: chr13-48373497-G-A. GRCh37 (hg19) VCF-style: chr13-48947633-G-A.
Other names: c.1215+5G>A (NM_001407165.1, NM_001407166.1, NM_000321.2).
Identifiers: ClinVar variation 2736025 (VCV002736025.6), dbSNP rs2138131373, ClinGen allele CA2622980714.